The following is an entry in ClinVar:

NM_198253.3(TERT):c.3162G>A (p.Met1054Ile)

Gene: TERT (telomerase reverse transcriptase; minus strand). Cytogenetic location: 5p15.33.
Variant type: single nucleotide variant.
Coding change: c.3162G>A on transcript NM_198253.3 (MANE Select); coding-DNA position 3162, G replaced by A.
Protein change: p.Met1054Ile; replaces methionine 1054 with isoleucine.
Molecular consequence: missense variant. On other transcripts: non-coding transcript variant (2).
Genome position (GRCh38, 1-based): chr5:1,254,501, C>T on the plus strand (G>A on the coding strand, the complement: TERT is on the minus strand). VCF-style: chr5-1254501-C-T. GRCh37 (hg19) VCF-style: chr5-1254616-C-T.
Other names: c.2973G>A, p.Met991Ile (NM_001193376.3); short protein forms M991I, M1054I.
Identifiers: ClinVar variation 3967338 (VCV003967338.1).

ClinVar aggregate classification (germline): Uncertain significance (1 of 4 stars; one submission).

Conditions:
Dyskeratosis congenita. Identifiers: Orphanet 1775, MedGen C0265965, MONDO:0015780.

Submission:

Ambry Genetics
Classification: Uncertain significance for Dyskeratosis congenita. Last evaluated: 2025-03-31. Review status: criteria provided, single submitter. Criteria: Ambry Variant Classification Scheme 2023. Collection method: clinical testing. Allele origin: germline.
Comment: The p.M1054I variant (also known as c.3162G>A), located in coding exon 15 of the TERT gene, results from a G to A substitution at nucleotide position 3162. The methionine at codon 1054 is replaced by isoleucine, an amino acid with highly similar properties. This amino acid position is conserved. In addition, this alteration is predicted to be tolerated by in silico analysis. Based on the available evidence, the clinical significance of this variant remains unclear.